The following is an entry in ClinVar:

ClinVar aggregate classification (germline): Uncertain significance (1 of 4 stars; one submission).

Conditions:
Neuroblastoma, susceptibility to, 3. Also called: ALK-Related Neuroblastic Tumor Susceptibility. Identifiers: Orphanet 635, MedGen C2751681, MONDO:0013083, OMIM 613014.

gnomAD v4.1: 18 of 1,614,116 alleles (0.0011%); highest among the groups gnomAD compares: African/African-American, 0.0027%; no homozygotes.

Submission:

Labcorp Genetics (formerly Invitae), Labcorp
Classification: Uncertain significance for Neuroblastoma, susceptibility to, 3. Last evaluated: 2025-03-15. Review status: criteria provided, single submitter. Criteria: Invitae Variant Classification Sherloc (09022015). Collection method: clinical testing. Allele origin: germline.
Comment: This sequence change creates a premature translational stop signal (p.Gln502*) in the ALK gene. It is expected to result in an absent or disrupted protein product. However, the current clinical and genetic evidence is not sufficient to establish whether loss-of-function variants in ALK cause disease. This variant is not present in population databases (gnomAD no frequency). This variant has not been reported in the literature in individuals affected with ALK-related conditions. ClinVar contains an entry for this variant (Variation ID: 1368872). Algorithms developed to predict the effect of sequence changes on RNA splicing suggest that this variant may disrupt the consensus splice site. In summary, the available evidence is currently insufficient to determine the role of this variant in disease. Therefore, it has been classified as a Variant of Uncertain Significance.

NM_004304.5(ALK):c.1504C>T (p.Gln502Ter)

Gene: ALK (ALK receptor tyrosine kinase; minus strand). Cytogenetic location: 2p23.2.
Variant type: single nucleotide variant.
Coding change: c.1504C>T on transcript NM_004304.5 (MANE Select); coding-DNA position 1504, C replaced by T.
Protein change: p.Gln502Ter; replaces glutamine 502 with a stop codon.
Molecular consequence: nonsense.
Genome position (GRCh38, 1-based): chr2:29,320,793, G>A on the plus strand (C>T on the coding strand, the complement: ALK is on the minus strand). VCF-style: chr2-29320793-G-A. GRCh37 (hg19) VCF-style: chr2-29543659-G-A.
Other names: short protein forms Q502*.
Identifiers: ClinVar variation 1368872 (VCV001368872.6), dbSNP rs2148250921, ClinGen allele CA346472333.
Genomic context (GRCh38, chr2:29,320,793, plus strand): 5'-GCAGGAGAGCAGTAGTACCTTGGTGGTCCTGGAACCGGGCATCCTTTAGGGTCCTGACCT[G>A]CCATTGAGGAGTGTGGGGTGACAGTGTGCCTTGGGTCCAGCCACAGAAGCCATCTTCAAA-3'